The following is an entry in ClinVar:

ClinVar aggregate classification (germline): Conflicting classifications of pathogenicity. Review status: criteria provided, conflicting classifications (1 of 4 stars). 2 submissions from 2 submitters: Uncertain significance (1); Likely benign (1). Last evaluated 2024-10-25.

Conditions:
Inborn genetic diseases. Identifiers: MedGen C0950123, MeSH D030342.

Allele frequency attached by ClinVar (database versions not stated): gnomAD exomes below 0.00001 and 0.00001.
gnomAD v4.1: 12 of 1,613,754 alleles (0.00074%); highest among the groups gnomAD compares: Admixed American, 0.0017%; no homozygotes.

Submissions (2):

Ambry Genetics
Classification: Likely benign for Inborn genetic diseases. Last evaluated: 2024-10-25. Review status: criteria provided, single submitter. Criteria: Ambry Variant Classification Scheme 2023. Collection method: clinical testing. Allele origin: germline.

Laboratorio de Genetica e Diagnostico Molecular, Hospital Israelita Albert Einstein
Classification: Uncertain significance. Last evaluated: 2020-12-14. Review status: criteria provided, single submitter. Criteria: ACMG Guidelines, 2015. Collection method: clinical testing. Allele origin: germline. Affected: yes.
Comment: ACMG classification criteria: PM2, BP4

NM_004667.6(HERC2):c.10993G>A (p.Val3665Ile)

Gene: HERC2 (HECT and RLD domain containing E3 ubiquitin protein ligase 2; minus strand). Cytogenetic location: 15q13.1.
Variant type: single nucleotide variant.
Coding change: c.10993G>A on transcript NM_004667.6 (MANE Select); coding-DNA position 10993, G replaced by A.
Protein change: p.Val3665Ile; replaces valine 3665 with isoleucine.
Molecular consequence: missense variant.
Genome position (GRCh38, 1-based): chr15:28,146,252, C>T on the plus strand (G>A on the coding strand, the complement: HERC2 is on the minus strand). VCF-style: chr15-28146252-C-T. GRCh37 (hg19) VCF-style: chr15-28391398-C-T.
Other names: c.10993G>A (NM_004667.4); short protein forms V3665I.
Identifiers: ClinVar variation 1690989 (VCV001690989.3), dbSNP rs1429361753, ClinGen allele CA391386548.